The following is an entry in ClinVar:

NM_001034853.2(RPGR):c.2224G>T (p.Glu742Ter)

Gene: RPGR (retinitis pigmentosa GTPase regulator; minus strand). Cytogenetic location: Xp11.4.
Variant type: single nucleotide variant.
Coding change: c.2224G>T on transcript NM_001034853.2 (MANE Select); coding-DNA position 2224, G replaced by T.
Protein change: p.Glu742Ter; replaces glutamic acid 742 with a stop codon.
Molecular consequence: nonsense. On other transcripts: intron variant (8).
Genome position (GRCh38, 1-based): chrX:38,286,775, C>A on the plus strand (G>T on the coding strand, the complement: RPGR is on the minus strand). VCF-style: chrX-38286775-C-A. GRCh37 (hg19) VCF-style: chrX-38146028-C-A.
Other names: c.1569+4184G>T (NM_001367249.1, NM_001367250.1); c.1902+319G>T (NM_001367245.1); c.1386+4184G>T (NM_001367251.1); c.1719+319G>T (NM_001367246.1); c.1572+4184G>T (NM_001367247.1); c.1905+319G>T (NM_000328.3); c.1602+4184G>T (NM_001367248.1); short protein forms E742*.
Identifiers: ClinVar variation 4293300 (VCV004293300.1).

ClinVar aggregate classification (germline): Likely pathogenic (1 of 4 stars; one submission).

Conditions:
Retinitis pigmentosa 3. Also called: CHOROIDORETINAL DEGENERATION WITH RETINAL REFLEX IN HETEROZYGOUS WOMEN. Identifiers: Orphanet 791, MedGen C1845667, MONDO:0010227, OMIM 300029.

Submission:

3billion
Classification: Likely pathogenic for Retinitis pigmentosa 3. Last evaluated: 2025-02-27. Review status: criteria provided, single submitter. Criteria: ACMG Guidelines, 2015. Collection method: clinical testing. Allele origin: germline. Affected: yes.
Comment: The variant is not observed in the gnomAD v4.1.0 dataset. Predicted Consequence/Location: Stop-gained (nonsense): predicted to result in a loss or disruption of normal protein function through protein truncation. Multiple pathogenic variants are reported in the predicted truncated region. Therefore, this variant is classified as Likely pathogenic according to the recommendation of ACMG/AMP guideline.